The following is an entry in ClinVar:

ClinVar aggregate classification (germline): Likely benign. Review status: criteria provided, multiple submitters, no conflicts (2 of 4 stars). 5 submissions from 5 submitters: Likely benign (4). 1 of the submissions does not count toward it. Last evaluated 2023-11-05.

Conditions:
Cardiovascular phenotype. Identifiers: MedGen CN230736.
SOS1-related disorder. Also called: SOS1-related condition.
RASopathy. Also called: rasopathies; Noonan spectrum disorder. Identifiers: Orphanet 536391, MedGen C5555857, MONDO:0021060.

Allele frequency attached by ClinVar (database versions not stated): ExAC 0.00001; gnomAD exomes 0.00001; TOPMed 0.00001.
gnomAD v4.1: 23 of 1,612,890 alleles (0.0014%); highest among the groups gnomAD compares: Non-Finnish European, 0.0012%; no homozygotes.

Submissions (5):

Labcorp Genetics (formerly Invitae), Labcorp
Classification: Likely benign for RASopathy. Last evaluated: 2023-11-05. Review status: criteria provided, single submitter. Criteria: Invitae Variant Classification Sherloc (09022015). Collection method: clinical testing. Allele origin: germline.

Blueprint Genetics
Classification: Likely benign. Last evaluated: 2023-07-20. Review status: criteria provided, single submitter. Criteria: ACMG Guidelines, 2015. Collection method: clinical testing. Allele origin: germline.

Ambry Genetics
Classification: Likely benign for Cardiovascular phenotype. Last evaluated: 2022-12-06. Review status: criteria provided, single submitter. Criteria: Ambry Variant Classification Scheme 2023. Collection method: clinical testing. Allele origin: germline.

GeneDx
Classification: Likely benign. Last evaluated: 2017-06-20. Review status: criteria provided, single submitter. Criteria: GeneDx Variant Classification (06012015). Collection method: clinical testing. Allele origin: germline. Affected: yes.
Comment: This variant is considered likely benign or benign based on one or more of the following criteria: it is a conservative change, it occurs at a poorly conserved position in the protein, it is predicted to be benign by multiple in silico algorithms, and/or has population frequency not consistent with disease.

PreventionGenetics, part of Exact Sciences
Classification: Likely benign for SOS1-related condition. Last evaluated: 2020-09-08. Review status: no assertion criteria provided. Collection method: clinical testing. Allele origin: germline. Not counted in ClinVar's aggregate classification.
Comment: This variant is classified as likely benign based on ACMG/AMP sequence variant interpretation guidelines (Richards et al. 2015 PMID: 25741868, with internal and published modifications).

NM_005633.4(SOS1):c.2868A>C (p.Ile956=)

Gene: SOS1 (SOS Ras/Rac guanine nucleotide exchange factor 1; minus strand). Cytogenetic location: 2p22.1.
Variant type: single nucleotide variant.
Coding change: c.2868A>C on transcript NM_005633.4 (MANE Select); coding-DNA position 2868, A replaced by C.
Protein change: p.Ile956=; no amino-acid change (isoleucine 956 retained).
Molecular consequence: synonymous variant.
Genome position (GRCh38, 1-based): chr2:38,997,349, T>G on the plus strand (A>C on the coding strand, the complement: SOS1 is on the minus strand). VCF-style: chr2-38997349-T-G. GRCh37 (hg19) VCF-style: chr2-39224490-T-G.
Other names: c.2847A>C, p.Ile949= (NM_001382394.1); c.2868A>C, p.Ile956= (NM_001382395.1).
Identifiers: ClinVar variation 516684 (VCV000516684.10), dbSNP rs758834690, ClinGen allele CA1624311.